The following is an entry in ClinVar:

ClinVar aggregate classification (germline): Uncertain significance (1 of 4 stars; one submission).

Conditions:
Neuropathy, hereditary sensory and autonomic, type 2A (HSAN2A). Also called: WNK1-Related HSAN2 (HSAN2A); HSAN IIA; NEUROPATHY, CONGENITAL SENSORY; MORVAN DISEASE; ACROOSTEOLYSIS, GIACCAI TYPE; ACROOSTEOLYSIS, NEUROGENIC. Identifiers: Orphanet 970, MedGen C2752089, MONDO:0024309, OMIM 201300.
Generalized epilepsy with febrile seizures plus, type 7 (GEFSP7). Also called: GEFS+, TYPE 7. Identifiers: Orphanet 36387, MedGen C2751778, MONDO:0013470, OMIM 613863.

Submission:

Labcorp Genetics (formerly Invitae), Labcorp
Classification: Uncertain significance for Neuropathy, hereditary sensory and autonomic, type 2A; Generalized epilepsy with febrile seizures plus, type 7. Last evaluated: 2023-11-13. Review status: criteria provided, single submitter. Criteria: Invitae Variant Classification Sherloc (09022015). Collection method: clinical testing. Allele origin: germline.
Comment: This variant, c.112_114del, results in the deletion of 1 amino acid(s) of the SCN9A protein (p.Glu38del), but otherwise preserves the integrity of the reading frame. This variant is not present in population databases (gnomAD no frequency). This variant has not been reported in the literature in individuals affected with SCN9A-related conditions. ClinVar contains an entry for this variant (Variation ID: 646629). Experimental studies and prediction algorithms are not available or were not evaluated, and the functional significance of this variant is currently unknown. In summary, the available evidence is currently insufficient to determine the role of this variant in disease. Therefore, it has been classified as a Variant of Uncertain Significance.

NM_001365536.1(SCN9A):c.109GAA[1] (p.Glu38del)

Gene: SCN9A (sodium voltage-gated channel alpha subunit 9; minus strand). Cytogenetic location: 2q24.3.
Variant type: Microsatellite.
Coding change: c.109GAA[1] on transcript NM_001365536.1 (MANE Select); one copy of the 3-base unit GAA starting at c.109; the reference has two copies in a row; one copy, 3 bases deleted.
Protein change: p.Glu38del; deletes glutamic acid 38.
Molecular consequence: inframe deletion. On other transcripts: inframe indel (1).
Genome position (GRCh38, 1-based): chr2:166,311,643-166,311,645, TTC deleted on the plus strand (GAA on the coding strand, the reverse complement: SCN9A is on the minus strand); deleting any 3 consecutive bases within chr2:166,311,643-166,311,650 gives the same sequence; the position shown is the placement nearest the transcript's 3' end. VCF-style (leftmost placement, unchanged base first): chr2-166311642-TTTC-T. GRCh37 (hg19) VCF-style: chr2-167168152-TTTC-T.
Other names: c.107_109AAG[1], p.Glu38del (NM_002977.4); c.112_114delGAA (NM_002977.3); short protein forms E38del.
Identifiers: ClinVar variation 646629 (VCV000646629.9), dbSNP rs962551370, ClinGen allele CA59810420.